The following is an entry in ClinVar:

ClinVar aggregate classification (germline): Pathogenic/Likely pathogenic. Review status: criteria provided, multiple submitters, no conflicts (2 of 4 stars). 3 submissions from 3 submitters: Pathogenic (2); Likely pathogenic (1). Last evaluated 2025-11-24.

Conditions:
Pendred syndrome (PDS). Also called: DEAFNESS WITH GOITER; GOITER-DEAFNESS SYNDROME; THYROID DYSHORMONOGENESIS 2B; THYROID HORMONOGENESIS, GENETIC DEFECT IN, 2B; Pendred's syndrome; HYPOTHYROIDISM, CONGENITAL, DUE TO DYSHORMONOGENESIS, 2B. Identifiers: Orphanet 705, MedGen C0271829, MONDO:0010134, OMIM 274600.
Autosomal recessive nonsyndromic hearing loss 4 (DFNB4). Also called: Nonsyndromic enlarged vestibular aqueduct (NSEVA); FOXI1-Related Pendred Syndrome; KCNJ10-Related Pendred Syndrome; DEAFNESS, AUTOSOMAL RECESSIVE 4, WITH ENLARGED VESTIBULAR AQUEDUCT, DIGENIC; Deafness, autosomal recessive 4, with enlarged vestibular aqueduct; Deafness, autosomal recessive 4. Identifiers: Orphanet 90636, MedGen C3538946, MONDO:0010933, OMIM 600791.

Submissions (3):

Natera, Inc.
Classification: Likely pathogenic for Pendred syndrome. Last evaluated: 2025-11-24. Review status: criteria provided, single submitter. Criteria: Natera Variant Classification Schema (03/2026). Collection method: clinical testing. Allele origin: germline.
Comment: The c.2113C>T variant in SLC26A4 is a nonsense variant predicted to introduce a stop codon at amino acid 705. This variant is expected to result in nonsense mediated decay, truncation, or a dysfunctional protein product. This variant is rare in the general population with a frequency below the threshold expected for the associated phenotype(s). Given the available evidence, this variant is classified as Likely Pathogenic.

Baylor Genetics
Classification: Pathogenic for Autosomal recessive nonsyndromic hearing loss 4. Last evaluated: 2023-01-08. Review status: criteria provided, single submitter. Criteria: ACMG Guidelines, 2015. Collection method: clinical testing. Allele origin: unknown.

Labcorp Genetics (formerly Invitae), Labcorp
Classification: Pathogenic. Last evaluated: 2022-05-08. Review status: criteria provided, single submitter. Criteria: Invitae Variant Classification Sherloc (09022015). Collection method: clinical testing. Allele origin: germline.
Comment: For these reasons, this variant has been classified as Pathogenic. This premature translational stop signal has been observed in individual(s) with deafness (PMID: 32251972). This variant is not present in population databases (gnomAD no frequency). This sequence change creates a premature translational stop signal (p.Gln705*) in the SLC26A4 gene. It is expected to result in an absent or disrupted protein product. Loss-of-function variants in SLC26A4 are known to be pathogenic (PMID: 16283880, 25394566, 26252218, 26445815).

Literature cited by the submitters: PubMed 32251972 (cited by Labcorp Genetics (formerly Invitae), Labcorp); PubMed 16283880 (cited by Labcorp Genetics (formerly Invitae), Labcorp); PubMed 25394566 (cited by Labcorp Genetics (formerly Invitae), Labcorp); PubMed 26252218 (cited by Labcorp Genetics (formerly Invitae), Labcorp); PubMed 26445815 (cited by Labcorp Genetics (formerly Invitae), Labcorp).

NM_000441.2(SLC26A4):c.2113C>T (p.Gln705Ter)

Genes: SLC26A4 (solute carrier family 26 member 4; plus strand), LOC123956210 (Sharpr-MPRA regulatory region 3291; plus strand). Cytogenetic location: 7q22.3.
Variant type: single nucleotide variant.
Coding change: c.2113C>T on transcript NM_000441.2 (MANE Select); coding-DNA position 2113, C replaced by T.
Protein change: p.Gln705Ter; replaces glutamine 705 with a stop codon.
Molecular consequence: nonsense.
Genome position (GRCh38, 1-based): chr7:107,710,077, C>T. VCF-style: chr7-107710077-C-T. GRCh37 (hg19) VCF-style: chr7-107350522-C-T.
Other names: c.2113C>T (NM_000441.1); short protein forms Q705*.
Identifiers: ClinVar variation 1929401 (VCV001929401.7), dbSNP rs2535349697, ClinGen allele CA368845528.
Genomic context (GRCh38, chr7:107,710,077, plus strand): 5'-CTAGGAACTAACAAAACATTGTGTCTTTCTTTTGAAGATTATGTGATAGAAAAGCTGGAG[C>T]AATGCGGGTTCTTTGACGACAACATTAGAAAGGACACATTCTTTTTGACGGTCCATGATG-3'